The following is an entry in ClinVar:

NM_201548.5(CERKL):c.1499A>C (p.Asp500Ala)

Gene: CERKL (CERK like autophagy regulator; minus strand). Cytogenetic location: 2q31.3.
Variant type: single nucleotide variant.
Coding change: c.1499A>C on transcript NM_201548.5 (MANE Select); coding-DNA position 1499, A replaced by C.
Protein change: p.Asp500Ala; replaces aspartic acid 500 with alanine.
Molecular consequence: missense variant. On other transcripts: non-coding transcript variant (2).
Genome position (GRCh38, 1-based): chr2:181,539,131, T>G on the plus strand (A>C on the coding strand, the complement: CERKL is on the minus strand). VCF-style: chr2-181539131-T-G. GRCh37 (hg19) VCF-style: chr2-182403858-T-G.
Other names: c.1577A>C, p.Asp526Ala (NM_001030311.3); c.1160A>C, p.Asp387Ala (NM_001030312.3); c.1292A>C, p.Asp431Ala (NM_001030313.3); c.*781A>C (NM_001030314.1, NM_001030315.1); c.1445A>C, p.Asp482Ala (NM_001160277.2); short protein forms D500A, D387A, D431A, D482A, D526A.
Identifiers: ClinVar variation 1935404 (VCV001935404.2), dbSNP rs1424551188, ClinGen allele CA349733095.

ClinVar aggregate classification (germline): Uncertain significance (1 of 4 stars; one submission).

gnomAD v4.1: 2 of 1,608,610 alleles (0.00012%); highest among the groups gnomAD compares: Admixed American, 0.0033%; no homozygotes.

Submission:

Labcorp Genetics (formerly Invitae), Labcorp
Classification: Uncertain significance. Last evaluated: 2022-07-30. Review status: criteria provided, single submitter. Criteria: Invitae Variant Classification Sherloc (09022015). Collection method: clinical testing. Allele origin: germline.
Comment: This sequence change replaces aspartic acid, which is acidic and polar, with alanine, which is neutral and non-polar, at codon 526 of the CERKL protein (p.Asp526Ala). This variant is present in population databases (no rsID available, gnomAD 0.006%). This variant has not been reported in the literature in individuals affected with CERKL-related conditions. Algorithms developed to predict the effect of missense changes on protein structure and function are either unavailable or do not agree on the potential impact of this missense change (SIFT: "Deleterious"; PolyPhen-2: "Probably Damaging"; Align-GVGD: "Class C0"). In summary, the available evidence is currently insufficient to determine the role of this variant in disease. Therefore, it has been classified as a Variant of Uncertain Significance.